The following is an entry in ClinVar:

ClinVar aggregate classification (germline): Uncertain significance. Review status: criteria provided, multiple submitters, no conflicts (2 of 4 stars). 2 submissions from 2 submitters: Uncertain significance (2). Last evaluated 2023-10-15.

Conditions:
Cardiovascular phenotype. Identifiers: MedGen CN230736.

Submissions (2):

Labcorp Genetics (formerly Invitae), Labcorp
Classification: Uncertain significance. Last evaluated: 2023-10-15. Review status: criteria provided, single submitter. Criteria: Invitae Variant Classification Sherloc (09022015). Collection method: clinical testing. Allele origin: germline.
Comment: This sequence change replaces proline, which is neutral and non-polar, with serine, which is neutral and polar, at codon 598 of the ALPK3 protein (p.Pro598Ser). This variant is not present in population databases (gnomAD no frequency). This variant has not been reported in the literature in individuals affected with ALPK3-related conditions. ClinVar contains an entry for this variant (Variation ID: 1780210). An algorithm developed to predict the effect of missense changes on protein structure and function (PolyPhen-2) suggests that this variant is likely to be tolerated. In summary, the available evidence is currently insufficient to determine the role of this variant in disease. Therefore, it has been classified as a Variant of Uncertain Significance.

Ambry Genetics
Classification: Uncertain significance for Cardiovascular phenotype. Last evaluated: 2022-09-05. Review status: criteria provided, single submitter. Criteria: Ambry Variant Classification Scheme 2023. Collection method: clinical testing. Allele origin: germline.
Comment: The p.P598S variant (also known as c.1792C>T), located in coding exon 5 of the ALPK3 gene, results from a C to T substitution at nucleotide position 1792. The proline at codon 598 is replaced by serine, an amino acid with similar properties. This amino acid position is conserved. In addition, this alteration is predicted to be tolerated by in silico analysis. Since supporting evidence is limited at this time, the clinical significance of this alteration remains unclear.

NM_020778.5(ALPK3):c.1186C>T (p.Pro396Ser)

Gene: ALPK3 (alpha kinase 3; plus strand). Cytogenetic location: 15q25.3.
Variant type: single nucleotide variant.
Coding change: c.1186C>T on transcript NM_020778.5 (MANE Select); coding-DNA position 1186, C replaced by T.
Protein change: p.Pro396Ser; replaces proline 396 with serine.
Molecular consequence: missense variant.
Genome position (GRCh38, 1-based): chr15:84,840,465, C>T. VCF-style: chr15-84840465-C-T. GRCh37 (hg19) VCF-style: chr15-85383696-C-T.
Other names: short protein forms P396S.
Identifiers: ClinVar variation 1780210 (VCV001780210.5), dbSNP rs2505706184, ClinGen allele CA393374711.
Genomic context (GRCh38, chr15:84,840,465, plus strand): 5'-CGGGGGCCTGGGTCCTCTGGCACAGATAGTACCAGGAAGCCAGCCTCTGCTGTGGGCACT[C>T]CAGACAAGGCCCAGAAGGCCCCTGGCCCAGGCCCAGGCCAGGAAGTGTATTTCTCCTTGA-3'
Protein context (NP_065829.4, residues 386-406): TRKPASAVGT[Pro396Ser]DKAQKAPGPG